The following is an entry in ClinVar:

ClinVar aggregate classification (germline): Likely benign (1 of 4 stars; one submission).

Conditions:
EIF3G-related condition.

gnomAD v4.1: 38 of 1,613,804 alleles (0.0024%); highest among the groups gnomAD compares: Middle Eastern, 0.066%; no homozygotes.

Submission:

PreventionGenetics, part of Exact Sciences
Classification: Likely benign for EIF3G-related condition. Last evaluated: 2026-05-01. Review status: criteria provided, single submitter. Criteria: ACMG Guidelines, 2015. Collection method: clinical testing. Allele origin: germline.
Comment: This variant is classified as likely benign based on ACMG/AMP sequence variant interpretation guidelines (Richards et al. 2015 PMID: 25741868, with internal and published modifications).

NM_003755.5(EIF3G):c.240+5G>C

Gene: EIF3G (eukaryotic translation initiation factor 3 subunit G; minus strand). Cytogenetic location: 19p13.2.
Variant type: single nucleotide variant.
Coding change: c.240+5G>C on transcript NM_003755.5 (MANE Select); 5 bases into the intron after coding-DNA position 240, G replaced by C.
Molecular consequence: intron variant.
Genome position (GRCh38, 1-based): chr19:10,118,863, C>G on the plus strand (G>C on the coding strand, the complement: EIF3G is on the minus strand). VCF-style: chr19-10118863-C-G. GRCh37 (hg19) VCF-style: chr19-10229539-C-G.
Identifiers: ClinVar variation 5001744 (VCV005001744.1).